The following is an entry in ClinVar:

ClinVar aggregate classification (germline): Uncertain significance (1 of 4 stars; one submission).

Submission:

Mayo Clinic Laboratories, Mayo Clinic
Classification: Uncertain significance. Last evaluated: 2024-04-25. Review status: criteria provided, single submitter. Criteria: ACMG Guidelines, 2015. Collection method: clinical testing. Allele origin: germline. Observed: 1 variant allele.
Comment: PM2

NM_004990.4(MARS1):c.416A>G (p.Glu139Gly)

Gene: MARS1 (methionyl-tRNA synthetase 1; plus strand). Cytogenetic location: 12q13.3.
Variant type: single nucleotide variant.
Coding change: c.416A>G on transcript NM_004990.4 (MANE Select); coding-DNA position 416, A replaced by G.
Protein change: p.Glu139Gly; replaces glutamic acid 139 with glycine.
Molecular consequence: missense variant.
Genome position (GRCh38, 1-based): chr12:57,489,897, A>G. VCF-style: chr12-57489897-A-G. GRCh37 (hg19) VCF-style: chr12-57883680-A-G.
Other names: p.Glu139Gly; short protein forms E139G.
Identifiers: ClinVar variation 3380109 (VCV003380109.1).